The following is an entry in ClinVar:

NM_015047.3(EMC1):c.636+11G>A

Gene: EMC1 (ER membrane protein complex subunit 1; minus strand). Cytogenetic location: 1p36.13.
Variant type: single nucleotide variant.
Coding change: c.636+11G>A on transcript NM_015047.3 (MANE Select); 11 bases into the intron after coding-DNA position 636, G replaced by A.
Molecular consequence: intron variant.
Genome position (GRCh38, 1-based): chr1:19,241,005, C>T on the plus strand (G>A on the coding strand, the complement: EMC1 is on the minus strand). VCF-style: chr1-19241005-C-T. GRCh37 (hg19) VCF-style: chr1-19567499-C-T.
Other names: c.636+11G>A (NM_001271428.2, NM_001375820.1, NM_001271427.2 and 1 more transcripts); c.570+11G>A (NM_001271429.2).
Identifiers: ClinVar variation 2829962 (VCV002829962.3), dbSNP rs979335862, ClinGen allele CA18822696.

ClinVar aggregate classification (germline): Uncertain significance (1 of 4 stars; one submission).

Submission:

Labcorp Genetics (formerly Invitae), Labcorp
Classification: Uncertain significance. Last evaluated: 2024-01-26. Review status: criteria provided, single submitter. Criteria: Invitae Variant Classification Sherloc (09022015). Collection method: clinical testing. Allele origin: germline.
Comment: This sequence change falls in intron 6 of the EMC1 gene. It does not directly change the encoded amino acid sequence of the EMC1 protein. This variant is not present in population databases (gnomAD no frequency). This variant has not been reported in the literature in individuals affected with EMC1-related conditions. Algorithms developed to predict the effect of sequence changes on RNA splicing suggest that this variant may create or strengthen a splice site. In summary, the available evidence is currently insufficient to determine the role of this variant in disease. Therefore, it has been classified as a Variant of Uncertain Significance.